The following is an entry in ClinVar:

ClinVar aggregate classification (germline): Likely pathogenic (1 of 4 stars; one submission).

Conditions:
SALL4-Related Disorders. Also called: SALL4-related condition; SALL4-related disorder. Identifiers: MedGen CN381056.

Submission:

PreventionGenetics, part of Exact Sciences
Classification: Likely pathogenic for SALL4-related condition. Last evaluated: 2023-04-19. Review status: criteria provided, single submitter. Criteria: ACMG Guidelines, 2015. Collection method: clinical testing. Allele origin: germline.
Comment: The SALL4 c.1379_1380delCT variant is predicted to result in a frameshift and premature protein termination (p.Ser460Cysfs*3). To our knowledge, this variant has not been reported in the literature or in a large population database, indicating this variant is rare. Frameshift variants in SALL4 are expected to be pathogenic. This variant is interpreted as likely pathogenic.

NM_020436.5(SALL4):c.1379_1380del (p.Ser460fs)

Gene: SALL4 (spalt like transcription factor 4; minus strand). Cytogenetic location: 20q13.2.
Variant type: Microsatellite.
Coding change: c.1379_1380del on transcript NM_020436.5 (MANE Select); coding-DNA positions 1379 to 1380, 2 bases deleted (CT; older notation c.1379_1380delCT).
Protein change: p.Ser460fs; shifts the reading frame from serine 460.
Molecular consequence: frameshift variant. On other transcripts: intron variant (1).
Genome position (GRCh38, 1-based): chr20:51,791,103-51,791,104, AG deleted on the plus strand (CT on the coding strand, the reverse complement: SALL4 is on the minus strand); deleting any 2 consecutive bases within chr20:51,791,103-51,791,108 gives the same sequence; the c. name uses the placement nearest the transcript's 3' end. VCF-style (leftmost placement, unchanged base first): chr20-51791102-CAG-C. GRCh37 (hg19) VCF-style: chr20-50407641-CAG-C.
Other names: c.1150+225CT[2] (NM_001318031.2); short protein forms S460fs.
Identifiers: ClinVar variation 2632937 (VCV002632937.1), dbSNP rs2515716591, ClinGen allele CA2695201408.